The following is an entry in ClinVar:

NM_015072.5(TTLL5):c.986A>G (p.Glu329Gly)

Gene: TTLL5 (tubulin tyrosine ligase like 5; plus strand). Cytogenetic location: 14q24.3.
Variant type: single nucleotide variant.
Coding change: c.986A>G on transcript NM_015072.5 (MANE Select); coding-DNA position 986, A replaced by G.
Protein change: p.Glu329Gly; replaces glutamic acid 329 with glycine.
Molecular consequence: missense variant.
Genome position (GRCh38, 1-based): chr14:75,720,647, A>G. VCF-style: chr14-75720647-A-G. GRCh37 (hg19) VCF-style: chr14-76186990-A-G.
Other names: short protein forms E329G.
Identifiers: ClinVar variation 1024782 (VCV001024782.9), dbSNP rs774802227, ClinGen allele CA7279182.

ClinVar aggregate classification (germline): Uncertain significance. Review status: criteria provided, multiple submitters, no conflicts (2 of 4 stars). 2 submissions from 2 submitters: Uncertain significance (2). Last evaluated 2025-01-13.

Allele frequency attached by ClinVar (database versions not stated): ExAC 0.00002; gnomAD exomes 0.00003 and 0.00004; TOPMed 0.00003; gnomAD 0.00005 and 0.00006.
gnomAD v4.1: 63 of 1,613,654 alleles (0.0039%); highest among the groups gnomAD compares: Non-Finnish European, 0.0053%; no homozygotes.

Submissions (2):

Labcorp Genetics (formerly Invitae), Labcorp
Classification: Uncertain significance. Last evaluated: 2025-01-13. Review status: criteria provided, single submitter. Criteria: Invitae Variant Classification Sherloc (09022015). Collection method: clinical testing. Allele origin: germline.
Comment: This sequence change replaces glutamic acid, which is acidic and polar, with glycine, which is neutral and non-polar, at codon 329 of the TTLL5 protein (p.Glu329Gly). This variant is present in population databases (rs774802227, gnomAD 0.008%). This missense change has been observed in individual(s) with cone dystrophy (internal data). ClinVar contains an entry for this variant (Variation ID: 1024782). Invitae Evidence Modeling of protein sequence and biophysical properties (such as structural, functional, and spatial information, amino acid conservation, physicochemical variation, residue mobility, and thermodynamic stability) has been performed for this missense variant. However, the output from this modeling did not meet the statistical confidence thresholds required to predict the impact of this variant on TTLL5 protein function. In summary, the available evidence is currently insufficient to determine the role of this variant in disease. Therefore, it has been classified as a Variant of Uncertain Significance.

Blueprint Genetics
Classification: Uncertain significance. Last evaluated: 2023-11-15. Review status: criteria provided, single submitter. Criteria: ACMG Guidelines, 2015. Collection method: clinical testing. Allele origin: germline.